The following is an entry in ClinVar:

ClinVar aggregate classification (germline): Uncertain significance (1 of 4 stars; one submission).

Conditions:
MELAS syndrome (MELAS). Also called: Juvenile myopathy, encephalopathy, lactic acidosis, stroke. Identifiers: Orphanet 550, MedGen C0162671, MONDO:0010789, OMIM 540000.

Submission:

Wong Mito Lab, Molecular and Human Genetics, Baylor College of Medicine
Classification: Uncertain significance for MELAS syndrome. Last evaluated: 2019-07-12. Review status: criteria provided, single submitter. Criteria: Modified ACMG Guidelines (Unpublished). Collection method: clinical testing. Allele origin: germline.
Comment: The NC_012920.1:m.16003T>C variant in MT-TP gene is interpreted to be a Unknown Significance variant based on the modified ACMG guidelines (unpublished). This variant meets the following evidence codes reported in the guidelines: PP3, PP6, BS2

Literature cited by the submitters: PubMed 31965079; PubMed 15120634.

NC_012920.1(MT-TP):m.16003T>C

Gene: MT-TP (mitochondrially encoded tRNA proline; minus strand).
Variant type: single nucleotide variant.
Genome position: chrM-16003-T-C.
Identifiers: ClinVar variation 690272 (VCV000690272.1), dbSNP rs1603225634, ClinGen allele CA913175426.
Genomic context (GRCh38, chrMT:16,003, plus strand): 5'-TTCCAAGGACAAATCAGAGAAAAAGTCTTTAACTCCACCATTAGCACCCAAAGCTAAGAT[T>C]CTAATTTAAACTATTCTCTGTTCTTTCATGGGGAAGCAGATTTGGGTACCACCCAAGTAT-3'